The following is an entry in ClinVar:

ClinVar aggregate classification (germline): Uncertain significance (1 of 4 stars; one submission).

gnomAD v4.1: 28 of 1,613,990 alleles (0.0017%); highest among the groups gnomAD compares: South Asian, 0.018%; no homozygotes.

Submission:

GeneDx
Classification: Uncertain significance. Last evaluated: 2024-05-01. Review status: criteria provided, single submitter. Criteria: GeneDx Variant Classification Process June 2021. Collection method: clinical testing. Allele origin: germline. Affected: yes.
Comment: In silico analysis supports that this missense variant has a deleterious effect on protein structure/function; Has not been previously published as pathogenic or benign to our knowledge

NM_000376.3(VDR):c.1121C>T (p.Pro374Leu)

Gene: VDR (vitamin D receptor; minus strand). Cytogenetic location: 12q13.11.
Variant type: single nucleotide variant.
Coding change: c.1121C>T on transcript NM_000376.3 (MANE Select); coding-DNA position 1121, C replaced by T.
Protein change: p.Pro374Leu; replaces proline 374 with leucine.
Molecular consequence: missense variant.
Genome position (GRCh38, 1-based): chr12:47,844,909, G>A on the plus strand (C>T on the coding strand, the complement: VDR is on the minus strand). VCF-style: chr12-47844909-G-A. GRCh37 (hg19) VCF-style: chr12-48238692-G-A.
Other names: c.1121C>T, p.Pro374Leu (NM_001017535.2, NM_001364085.2, NM_001374661.1 and 1 more transcripts); c.1271C>T, p.Pro424Leu (NM_001017536.2); short protein forms P374L, P424L.
Identifiers: ClinVar variation 3373279 (VCV003373279.1).
Genomic context (GRCh38, chr12:47,844,909, plus strand): 5'-TTGAGGCTGCGCAGGTCGGCTAGCTTCTGGATCATCTTGGCATAGAGCAGGTGGCTGCCC[G>A]GGGGCGGGTGGCGGCAGCGGATGTACGTCTGCAGTGTGTTGGACAGGCGGTCCTGGATGG-3'
Protein context (NP_000367.1, residues 364-384): QTYIRCRHPP[Pro374Leu]GSHLLYAKMI